The following is an entry in ClinVar:

NM_001204.7(BMPR2):c.2046T>A (p.Asp682Glu)

Gene: BMPR2 (bone morphogenetic protein receptor type 2; plus strand). Cytogenetic location: 2q33.2.
Variant type: single nucleotide variant.
Coding change: c.2046T>A on transcript NM_001204.7 (MANE Select); coding-DNA position 2046, T replaced by A.
Protein change: p.Asp682Glu; replaces aspartic acid 682 with glutamic acid.
Molecular consequence: missense variant.
Genome position (GRCh38, 1-based): chr2:202,555,711, T>A. VCF-style: chr2-202555711-T-A. GRCh37 (hg19) VCF-style: chr2-203420434-T-A.
Other names: short protein forms D682E.
Identifiers: ClinVar variation 3585296 (VCV003585296.2).
Genomic context (GRCh38, chr2:202,555,711, plus strand): 5'-CTTGGAAACCAACAAGCTAGACCCAAAAGAAGTTGATAAGAACCTCAAGGAAAGCTCTGA[T>A]GAGAATCTCATGGAGCACTCTCTTAAACAGTTCAGTGGCCCAGACCCACTGAGCAGTACT-3'
Protein context (NP_001195.2, residues 672-692): EVDKNLKESS[Asp682Glu]ENLMEHSLKQ

ClinVar aggregate classification (germline): Uncertain significance. Review status: criteria provided, multiple submitters, no conflicts (2 of 4 stars). 2 submissions from 2 submitters: Uncertain significance (2). Last evaluated 2024-12-28.

Conditions:
Inborn genetic diseases. Identifiers: MedGen C0950123, MeSH D030342.
Pulmonary hypertension, primary, 1 (PPH1). Also called: Pulmonary hypertension, familial primary, 1, with or without HHT. Identifiers: Orphanet 422, MedGen C4552070, MONDO:0024533, OMIM 178600.
Pulmonary venoocclusive disease 1 (PVOD1). Also called: Pulmonary venoocclusive disease 1, autosomal dominant. Identifiers: Orphanet 31837, MedGen C3887658, MONDO:0020713, OMIM 265450.

gnomAD v4.1: 1 of 1,614,138 alleles (0.000062%); no homozygotes.

Submissions (2):

Ambry Genetics
Classification: Uncertain significance for Inborn genetic diseases. Last evaluated: 2024-12-28. Review status: criteria provided, single submitter. Criteria: Ambry Variant Classification Scheme 2023. Collection method: clinical testing. Allele origin: germline.
Comment: The p.D682E variant (also known as c.2046T>A), located in coding exon 12 of the BMPR2 gene, results from a T to A substitution at nucleotide position 2046. The aspartic acid at codon 682 is replaced by glutamic acid, an amino acid with highly similar properties. This amino acid position is conserved. In addition, the in silico prediction for this alteration is inconclusive. Based on the available evidence, the clinical significance of this variant remains unclear.

Fulgent Genetics
Classification: Uncertain significance for Pulmonary hypertension, primary, 1; Pulmonary venoocclusive disease 1. Last evaluated: 2024-01-13. Review status: criteria provided, single submitter. Criteria: ACMG Guidelines, 2015. Collection method: clinical testing. Allele origin: germline.